The following is an entry in ClinVar:

NM_021224.6(ZNF462):c.4205T>C (p.Val1402Ala)

Gene: ZNF462 (zinc finger protein 462; plus strand). Cytogenetic location: 9q31.2.
Variant type: single nucleotide variant.
Coding change: c.4205T>C on transcript NM_021224.6 (MANE Select); coding-DNA position 4205, T replaced by C.
Protein change: p.Val1402Ala; replaces valine 1402 with alanine.
Molecular consequence: missense variant. On other transcripts: intron variant (1).
Genome position (GRCh38, 1-based): chr9:106,928,117, T>C. VCF-style: chr9-106928117-T-C. GRCh37 (hg19) VCF-style: chr9-109690398-T-C.
Other names: c.3252+953T>C (NM_001347997.2); short protein forms V1402A.
Identifiers: ClinVar variation 3476065 (VCV003476065.2).

ClinVar aggregate classification (germline): Likely benign. Review status: criteria provided, multiple submitters, no conflicts (2 of 4 stars). 2 submissions from 2 submitters: Likely benign (2). Last evaluated 2025-03-12.

Conditions:
Inborn genetic diseases. Identifiers: MedGen C0950123, MeSH D030342.

gnomAD v4.1: 32 of 1,614,178 alleles (0.002%); highest among the groups gnomAD compares: Admixed American, 0.052%; no homozygotes.

Submissions (2):

Women's Health and Genetics/Laboratory Corporation of America, LabCorp
Classification: Likely benign. Last evaluated: 2025-03-12. Review status: criteria provided, single submitter. Criteria: LabCorp Variant Classification Summary - May 2015. Collection method: clinical testing. Allele origin: germline.
Comment: Variant summary: ZNF462 c.4205T>C (p.Val1402Ala) results in a non-conservative amino acid change in the encoded protein sequence. Three of four in-silico tools predict a damaging effect of the variant on protein function. The variant allele was found at a frequency of 0.00012 in 251448 control chromosomes, predominantly at a frequency of 0.00078 within the Latino subpopulation in the gnomAD database. To our knowledge, no occurrence of c.4205T>C in individuals affected with Weiss-Kruszka Syndrome and no experimental evidence demonstrating its impact on protein function have been reported. ClinVar contains an entry for this variant (Variation ID: 3476065). Based on the evidence outlined above, the variant was classified as likely benign.

Ambry Genetics
Classification: Likely benign for Inborn genetic diseases. Last evaluated: 2024-08-20. Review status: criteria provided, single submitter. Criteria: Ambry Variant Classification Scheme 2023. Collection method: clinical testing. Allele origin: germline.